The following is an entry in ClinVar:

ClinVar aggregate classification (germline): Uncertain significance. Review status: criteria provided, multiple submitters, no conflicts (2 of 4 stars). 6 submissions from 6 submitters: Uncertain significance (5). 1 of the submissions does not count toward it. Last evaluated 2025-12-26.

Conditions:
Cardiovascular phenotype. Identifiers: MedGen CN230736.
Dilated cardiomyopathy 1J (CMD1J). Also called: CARDIOMYOPATHY, DILATED, WITH SENSORINEURAL HEARING LOSS, AUTOSOMAL DOMINANT. Identifiers: Orphanet 217622, MedGen C1854368, MONDO:0011541, OMIM 605362.
EYA4-related disorder. Also called: EYA4-related condition; EYA4-related disorders. Identifiers: MedGen CN239388.
Hearing impairment. Also called: Impaired Hearing. Identifiers: MedGen C1384666, MONDO:0005365, HP:0000365.

Allele frequency attached by ClinVar (database versions not stated): gnomAD 0.00004 and 0.00006; gnomAD exomes 0.00004 and 0.00006; TOPMed 0.00004; ExAC 0.00005.
gnomAD v4.1: 65 of 1,613,528 alleles (0.004%); highest among the groups gnomAD compares: Admixed American, 0.028%; 2 homozygotes.

Submissions (6):

Labcorp Genetics (formerly Invitae), Labcorp
Classification: Uncertain significance for Dilated cardiomyopathy 1J. Last evaluated: 2025-12-26. Review status: criteria provided, single submitter. Criteria: Invitae Variant Classification Sherloc (09022015). Collection method: clinical testing. Allele origin: germline.
Comment: This sequence change replaces serine, which is neutral and polar, with arginine, which is basic and polar, at codon 84 of the EYA4 protein (p.Ser84Arg). This variant is present in population databases (rs758076073, gnomAD 0.03%). This variant has not been reported in the literature in individuals affected with EYA4-related conditions. ClinVar contains an entry for this variant (Variation ID: 517654). An algorithm developed to predict the effect of missense changes on protein structure and function (PolyPhen-2) suggests that this variant is likely to be disruptive. In summary, the available evidence is currently insufficient to determine the role of this variant in disease. Therefore, it has been classified as a Variant of Uncertain Significance.

Ambry Genetics
Classification: Uncertain significance for Cardiovascular phenotype. Last evaluated: 2025-12-16. Review status: criteria provided, single submitter. Criteria: Ambry Variant Classification Scheme 2023. Collection method: clinical testing. Allele origin: germline.

GeneDx
Classification: Uncertain significance. Last evaluated: 2021-08-26. Review status: criteria provided, single submitter. Criteria: GeneDx Variant Classification Process June 2021. Collection method: clinical testing. Allele origin: germline. Affected: yes.
Comment: In silico analysis supports that this missense variant does not alter protein structure/function; Has not been previously published as pathogenic or benign to our knowledge

Department of Otolaryngology – Head & Neck Surgery, Cochlear Implant Center
Classification: Uncertain significance for Hearing impairment. Last evaluated: 2021-04-12. Review status: criteria provided, single submitter. Criteria: ClinGen HL ACMG Specifications v1. Collection method: clinical testing. Allele origin: germline. Affected: yes.
Comment: BP4_Supporting

Laboratory for Molecular Medicine, Mass General Brigham Personalized Medicine
Classification: Uncertain significance. Last evaluated: 2017-12-21. Review status: criteria provided, single submitter. Criteria: LMM Criteria. Collection method: clinical testing. Allele origin: germline. Observed: 2 variant alleles.
Comment: The p.Ser84Arg variant in EYA4 has not been previously reported in individuals w ith hearing loss, but has been identified in 10/34418 Latino chromosomes by the Genome Aggregation Database (gnomAD; dbSNP rs7 58076073). Although this variant has been seen in the general population, its fr equency is not high enough to rule out a pathogenic role. Computational predicti on tools and conservation analysis do not provide strong support for or against an impact to the protein. In summary, the clinical significance of the p.Ser84Ar g variant is uncertain. ACMG/AMP Criteria applied: none.

PreventionGenetics, part of Exact Sciences
Classification: Uncertain significance for EYA4-related condition. Last evaluated: 2024-01-10. Review status: no assertion criteria provided. Collection method: clinical testing. Allele origin: germline. Not counted in ClinVar's aggregate classification.
Comment: The EYA4 c.252T>A variant is predicted to result in the amino acid substitution p.Ser84Arg. To our knowledge, this variant has not been reported in the literature. This variant is reported in 0.034% of alleles in individuals of Latino descent in gnomAD. At this time, the clinical significance of this variant is uncertain due to the absence of conclusive functional and genetic evidence.

NM_004100.5(EYA4):c.252T>A (p.Ser84Arg)

Gene: EYA4 (EYA transcriptional coactivator and phosphatase 4; plus strand). Cytogenetic location: 6q23.2.
Variant type: single nucleotide variant.
Coding change: c.252T>A on transcript NM_004100.5 (MANE Select); coding-DNA position 252, T replaced by A.
Protein change: p.Ser84Arg; replaces serine 84 with arginine.
Molecular consequence: missense variant. On other transcripts: intron variant (4).
Genome position (GRCh38, 1-based): chr6:133,448,154, T>A. VCF-style: chr6-133448154-T-A. GRCh37 (hg19) VCF-style: chr6-133769292-T-A.
Other names: c.252T>A, p.Ser84Arg (NM_001301013.2, NM_172105.4); c.208+1400T>A (NM_001370458.1, NM_172103.4, NM_001370459.1 and 1 more transcripts); short protein forms S84R.
Identifiers: ClinVar variation 517654 (VCV000517654.22), dbSNP rs758076073, ClinGen allele CA4007986.